The following is an entry in ClinVar:

ClinVar aggregate classification (germline): Likely pathogenic (1 of 4 stars; one submission).

Conditions:
ACTA1-related disorder. Also called: ACTA1-related condition.

Submission:

PreventionGenetics, part of Exact Sciences
Classification: Likely pathogenic for ACTA1-related condition. Last evaluated: 2023-06-02. Review status: criteria provided, single submitter. Criteria: ACMG Guidelines, 2015. Collection method: clinical testing. Allele origin: germline.
Comment: The ACTA1 c.1008G>C variant is predicted to result in the amino acid substitution p.Glu336Asp. To our knowledge, this variant has not been reported in the literature or in a large population database, indicating this variant is rare. Two other missense variants at the same amino acid position have been reported in patients with autosomal dominant ACTA1-related myopathy, and one of the two segregated with the phenotype within a three generation pedigree (Kaindl et al. 2004. PubMed ID: 15520409; Laing et al. 2009. PubMed ID: 19562689). This variant is interpreted as likely pathogenic.

NM_001100.4(ACTA1):c.1008G>C (p.Glu336Asp)

Gene: ACTA1 (actin alpha 1, skeletal muscle; minus strand). Cytogenetic location: 1q42.13.
Variant type: single nucleotide variant.
Coding change: c.1008G>C on transcript NM_001100.4 (MANE Select); coding-DNA position 1008, G replaced by C.
Protein change: p.Glu336Asp; replaces glutamic acid 336 with aspartic acid.
Molecular consequence: missense variant.
Genome position (GRCh38, 1-based): chr1:229,431,625, C>G on the plus strand (G>C on the coding strand, the complement: ACTA1 is on the minus strand). VCF-style: chr1-229431625-C-G. GRCh37 (hg19) VCF-style: chr1-229567372-C-G.
Other names: short protein forms E336D.
Identifiers: ClinVar variation 2633560 (VCV002633560.1), dbSNP rs1180279387, ClinGen allele CA345144901.